The following is an entry in ClinVar:

ClinVar aggregate classification (germline): Uncertain significance (1 of 4 stars; one submission).

Conditions:
Hereditary cancer-predisposing syndrome. Also called: Tumor predisposition; Hereditary neoplastic syndrome; Neoplastic Syndromes, Hereditary; Hereditary Cancer Syndrome. Identifiers: Orphanet 140162, MedGen C0027672, MeSH D009386, MONDO:0015356.

Submission:

Ambry Genetics
Classification: Uncertain significance for Hereditary cancer-predisposing syndrome. Last evaluated: 2018-02-13. Review status: criteria provided, single submitter. Criteria: Ambry Variant Classification Scheme 2023. Collection method: clinical testing. Allele origin: germline.
Comment: The p.K422E variant (also known as c.1264A>G), located in coding exon 9 of the ATM gene, results from an A to G substitution at nucleotide position 1264. The lysine at codon 422 is replaced by glutamic acid, an amino acid with similar properties. This amino acid position is highly conserved in available vertebrate species. In addition, this alteration is predicted to be tolerated by in silico analysis. Since supporting evidence is limited at this time, the clinical significance of this alteration remains unclear.

NM_000051.4(ATM):c.1264A>G (p.Lys422Glu)

Gene: ATM (ATM serine/threonine kinase; plus strand). Cytogenetic location: 11q22.3.
Variant type: single nucleotide variant.
Coding change: c.1264A>G on transcript NM_000051.4 (MANE Select); coding-DNA position 1264, A replaced by G.
Protein change: p.Lys422Glu; replaces lysine 422 with glutamic acid.
Molecular consequence: missense variant.
Genome position (GRCh38, 1-based): chr11:108,250,729, A>G. VCF-style: chr11-108250729-A-G. GRCh37 (hg19) VCF-style: chr11-108121456-A-G.
Other names: c.1264A>G, p.Lys422Glu (NM_001351834.2); short protein forms K422E.
Identifiers: ClinVar variation 818746 (VCV000818746.4), dbSNP rs1555070678, ClinGen allele CA382533346.